The following is an entry in ClinVar:

ClinVar aggregate classification (germline): Pathogenic/Likely pathogenic. Review status: criteria provided, multiple submitters, no conflicts (2 of 4 stars). 2 submissions from 2 submitters: Pathogenic (1); Likely pathogenic (1). Last evaluated 2026-01-25.

Conditions:
Neurofibromatosis, type 1 (NF1). Also called: NEUROFIBROMATOSIS, TYPE I, SOMATIC; VON RECKLINGHAUSEN DISEASE; Peripheral type neurofibromatosis; Neurofibromatosis, type I. Identifiers: Orphanet 636, MedGen C0027831, MONDO:0018975, OMIM 162200. Disease mechanism: loss of function.

Submissions (2):

Labcorp Genetics (formerly Invitae), Labcorp
Classification: Pathogenic for Neurofibromatosis, type 1. Last evaluated: 2026-01-25. Review status: criteria provided, single submitter. Criteria: Invitae Variant Classification Sherloc (09022015). Collection method: clinical testing. Allele origin: germline.
Comment: This sequence change creates a premature translational stop signal (p.Pro360Glnfs*16) in the NF1 gene. It is expected to result in an absent or disrupted protein product. Loss-of-function variants in NF1 are known to be pathogenic (PMID: 10712197, 23913538). This variant is not present in population databases (gnomAD no frequency). This variant has not been reported in the literature in individuals affected with NF1-related conditions. ClinVar contains an entry for this variant (Variation ID: 547582). For these reasons, this variant has been classified as Pathogenic.

Center for Human Genetics, Inc
Classification: Likely pathogenic for Neurofibromatosis, type 1. Last evaluated: 2016-11-01. Review status: criteria provided, single submitter. Criteria: ACMG Guidelines, 2015. Collection method: clinical testing. Allele origin: germline. Affected: yes.

Literature cited by the submitters: PubMed 10712197 (cited by Labcorp Genetics (formerly Invitae), Labcorp); PubMed 23913538 (cited by Labcorp Genetics (formerly Invitae), Labcorp).

NM_001042492.3(NF1):c.1077del (p.Pro360fs)

Gene: NF1 (neurofibromin 1; plus strand). Cytogenetic location: 17q11.2.
Variant type: Deletion.
Coding change: c.1077del on transcript NM_001042492.3 (MANE Select); coding-DNA position 1077, one base deleted (T; older notation c.1077delT).
Protein change: p.Pro360fs; shifts the reading frame from proline 360.
Molecular consequence: frameshift variant.
Genome position (GRCh38, 1-based): chr17:31,201,051, T deleted. VCF-style (leftmost placement, unchanged base first): chr17-31201050-AT-A. GRCh37 (hg19) VCF-style: chr17-29528068-AT-A.
Other names: c.1077delT (NM_000267.3); c.1077delT, p.Pro360Glnfs (NM_000267.4); c.1077del, p.Pro360fs (NM_001128147.3); short protein forms P360fs.
Identifiers: ClinVar variation 547582 (VCV000547582.2), dbSNP rs1555610972, ClinGen allele CA658825048.
Genomic context (GRCh38, chr17:31,201,050, plus strand): 5'-CTGCATGGGTATTTAAAGGCTTTTGTTTTCTGTTGGGGTTTTTATAGAACCTGCTTTTTA[AT>A]CCAAGTAAGCCATTCTCAAGAGGCAGTCAGCCTGCAGATGTGGATCTAATGATTGACTGC-3'